The following is an entry in ClinVar:

NM_001319074.4(RAX2):c.156G>A (p.Pro52=)

Gene: RAX2 (retina and anterior neural fold homeobox 2; minus strand). Cytogenetic location: 19p13.3.
Variant type: single nucleotide variant.
Coding change: c.156G>A on transcript NM_001319074.4 (MANE Select); coding-DNA position 156, G replaced by A.
Protein change: p.Pro52=; no amino-acid change (proline 52 retained).
Molecular consequence: synonymous variant.
Genome position (GRCh38, 1-based): chr19:3,771,587, C>T on the plus strand (G>A on the coding strand, the complement: RAX2 is on the minus strand). VCF-style: chr19-3771587-C-T. GRCh37 (hg19) VCF-style: chr19-3771585-C-T.
Other names: c.156G>A, p.Pro52= (NM_032753.4).
Identifiers: ClinVar variation 328969 (VCV000328969.63), dbSNP rs141804618, ClinGen allele CA9085099.
Genomic context (GRCh38, chr19:3,771,587, plus strand): 5'-CTGCACGCGCACCTCAGGTAGGTGCACCTTGGCTGCCAGCTCCTCACGGCTGTACACATC[C>T]GGGTAGTGAGAGGCCTCGAACGCCCGCTCCAGCTGGTGCAGCTGGTAGGTGGTGAAGGTG-3'
Protein context (NP_001306003.2, residues 42-62): LERAFEASHY[Pro52=]DVYSREELAA

ClinVar aggregate classification (germline): Conflicting classifications of pathogenicity. Review status: criteria provided, conflicting classifications (1 of 4 stars). 7 submissions from 6 submitters: Uncertain significance (2); Benign (1); Likely benign (4). Last evaluated 2026-01-19.

Conditions:
RAX2-related disorder. Also called: RAX2-related condition; RAX2-related disorders.
Age related macular degeneration 6. Identifiers: MedGen C3151060, MONDO:0013406, OMIM 613757.
Cone-rod dystrophy 11 (CORD11). Identifiers: Orphanet 1872, MedGen C1835865, MONDO:0012483, OMIM 610381.

Allele frequency attached by ClinVar (database versions not stated): gnomAD exomes 0.00047; ESP Exome Variant Server 0.00054; TOPMed 0.00057; gnomAD 0.00058 and 0.00059; ExAC 0.00066.
gnomAD v4.1: 1,252 of 1,610,780 alleles (0.078%); highest among the groups gnomAD compares: Non-Finnish European, 0.097%; 3 homozygotes.

Submissions (7):

Labcorp Genetics (formerly Invitae), Labcorp
Classification: Likely benign. Last evaluated: 2026-01-19. Review status: criteria provided, single submitter. Criteria: Invitae Variant Classification Sherloc (09022015). Collection method: clinical testing. Allele origin: germline.

PreventionGenetics, part of Exact Sciences
Classification: Likely benign for RAX2-related condition. Last evaluated: 2025-01-06. Review status: criteria provided, single submitter. Criteria: ACMG Guidelines, 2015. Collection method: clinical testing. Allele origin: germline.
Comment: This variant is classified as likely benign based on ACMG/AMP sequence variant interpretation guidelines (Richards et al. 2015 PMID: 25741868, with internal and published modifications).

Blueprint Genetics
Classification: Likely benign. Last evaluated: 2024-11-01. Review status: criteria provided, single submitter. Criteria: ACMG Guidelines, 2015. Collection method: clinical testing. Allele origin: germline.

Illumina Laboratory Services, Illumina
Classification: Benign for Cone-rod dystrophy 11. Last evaluated: 2018-01-13. Review status: criteria provided, single submitter. Criteria: ICSL Variant Classification Criteria 13 December 2019. Collection method: clinical testing. Allele origin: germline.
Comment: This variant was observed in the ICSL laboratory as part of a predisposition screen in an ostensibly healthy population. It had not been previously curated by ICSL or reported in the Human Gene Mutation Database (HGMD: prior to June 1st, 2018), and was therefore a candidate for classification through an automated scoring system. Utilizing variant allele frequency, disease prevalence and penetrance estimates, and inheritance mode, an automated score was calculated to assess if this variant is too frequent to cause the disease. Based on the score and internal cut-off values, a variant classified as benign is not then subjected to further curation. The score for this variant resulted in a classification of benign for this disease.

Illumina Laboratory Services, Illumina
Classification: Likely benign for Age related macular degeneration 6. Last evaluated: 2018-01-13. Review status: criteria provided, single submitter. Criteria: ICSL Variant Classification Criteria 13 December 2019. Collection method: clinical testing. Allele origin: germline.
Comment: This variant was observed in the ICSL laboratory as part of a predisposition screen in an ostensibly healthy population. It had not been previously curated by ICSL or reported in the Human Gene Mutation Database (HGMD: prior to June 1st, 2018), and was therefore a candidate for classification through an automated scoring system. Utilizing variant allele frequency, disease prevalence and penetrance estimates, and inheritance mode, an automated score was calculated to assess if this variant is too frequent to cause the disease. Based on the score and internal cut-off values, a variant classified as likely benign is not then subjected to further curation. The score for this variant resulted in a classification of likely benign for this disease.

Eurofins Ntd Llc (ga)
Classification: Uncertain significance. Last evaluated: 2017-06-08. Review status: criteria provided, single submitter. Criteria: EGL Classification Definitions 2015. Collection method: clinical testing. Allele origin: germline. Observed: 1 variant allele, 1 heterozygote.

CeGaT Center for Human Genetics Tuebingen
Classification: Uncertain significance. Last evaluated: 2016-09-01. Review status: criteria provided, single submitter. Criteria: CeGaT Center For Human Genetics Tuebingen Variant Classification Criteria Version 2. Collection method: clinical testing. Allele origin: germline. Affected: yes. Observed: 1 variant allele.